The following is an entry in ClinVar:

ClinVar aggregate classification (germline): Uncertain significance. Review status: criteria provided, multiple submitters, no conflicts (2 of 4 stars). 2 submissions from 2 submitters: Uncertain significance (2). Last evaluated 2024-10-01.

Conditions:
Hereditary cancer-predisposing syndrome. Also called: Neoplastic Syndromes, Hereditary; Tumor predisposition; Hereditary Cancer Syndrome; Hereditary neoplastic syndrome. Identifiers: Orphanet 140162, MedGen C0027672, MeSH D009386, MONDO:0015356.
Oligodontia-cancer predisposition syndrome. Also called: TOOTH AGENESIS-COLORECTAL CANCER SYNDROME. Identifiers: Orphanet 300576, MedGen C1837750, MONDO:0012075, OMIM 608615. Disease mechanism: loss of function.

Allele frequency attached by ClinVar (database versions not stated): gnomAD exomes below 0.00001.
gnomAD v4.1: 1 of 1,614,208 alleles (0.000062%); highest among the groups gnomAD compares: South Asian, 0.0011%; no homozygotes.

Submissions (2):

Ambry Genetics
Classification: Uncertain significance for Hereditary cancer-predisposing syndrome. Last evaluated: 2024-10-01. Review status: criteria provided, single submitter. Criteria: Ambry Variant Classification Scheme 2023. Collection method: clinical testing. Allele origin: germline.
Comment: The p.H338R variant (also known as c.1013A>G), located in coding exon 3 of the AXIN2 gene, results from an A to G substitution at nucleotide position 1013. The histidine at codon 338 is replaced by arginine, an amino acid with highly similar properties. This amino acid position is well conserved in available vertebrate species. In addition, the in silico prediction for this alteration is inconclusive. Based on the available evidence, the clinical significance of this variant remains unclear.

Labcorp Genetics (formerly Invitae), Labcorp
Classification: Uncertain significance for Oligodontia-cancer predisposition syndrome. Last evaluated: 2023-01-22. Review status: criteria provided, single submitter. Criteria: Invitae Variant Classification Sherloc (09022015). Collection method: clinical testing. Allele origin: germline.
Comment: Advanced modeling of protein sequence and biophysical properties (such as structural, functional, and spatial information, amino acid conservation, physicochemical variation, residue mobility, and thermodynamic stability) performed at Invitae indicates that this missense variant is not expected to disrupt AXIN2 protein function. In summary, the available evidence is currently insufficient to determine the role of this variant in disease. Therefore, it has been classified as a Variant of Uncertain Significance. ClinVar contains an entry for this variant (Variation ID: 1735963). This variant has not been reported in the literature in individuals affected with AXIN2-related conditions. This variant is not present in population databases (gnomAD no frequency). This sequence change replaces histidine, which is basic and polar, with arginine, which is basic and polar, at codon 338 of the AXIN2 protein (p.His338Arg).

NM_004655.4(AXIN2):c.1013A>G (p.His338Arg)

Gene: AXIN2 (axin 2; minus strand). Cytogenetic location: 17q24.1.
Variant type: single nucleotide variant.
Coding change: c.1013A>G on transcript NM_004655.4 (MANE Select); coding-DNA position 1013, A replaced by G.
Protein change: p.His338Arg; replaces histidine 338 with arginine.
Molecular consequence: missense variant.
Genome position (GRCh38, 1-based): chr17:65,541,501, T>C on the plus strand (A>G on the coding strand, the complement: AXIN2 is on the minus strand). VCF-style: chr17-65541501-T-C. GRCh37 (hg19) VCF-style: chr17-63537619-T-C.
Other names: c.1013A>G, p.His338Arg (NM_001363813.1); short protein forms H338R.
Identifiers: ClinVar variation 1735963 (VCV001735963.6), dbSNP rs2544196525, ClinGen allele CA400679237.